The following is an entry in ClinVar:

NM_024675.4(PALB2):c.3277_3279del (p.Ile1093del)

Gene: PALB2 (partner and localizer of BRCA2; minus strand). Cytogenetic location: 16p12.2.
Variant type: Deletion.
Coding change: c.3277_3279del on transcript NM_024675.4 (MANE Select); coding-DNA positions 3277 to 3279, 3 bases deleted (ATT; older notation c.3277_3279delATT).
Protein change: p.Ile1093del; deletes isoleucine 1093.
Molecular consequence: inframe deletion.
Genome position (GRCh38, 1-based): chr16:23,607,935-23,607,937, AAT deleted on the plus strand (ATT on the coding strand, the reverse complement: PALB2 is on the minus strand). VCF-style (leftmost placement, unchanged base first): chr16-23607934-CAAT-C. GRCh37 (hg19) VCF-style: chr16-23619255-CAAT-C.
Other names: short protein forms I1093del.
Identifiers: ClinVar variation 823386 (VCV000823386.9), dbSNP rs1597066803, ClinGen allele CA915949158.

ClinVar aggregate classification (germline): Uncertain significance. Review status: criteria provided, multiple submitters, no conflicts (2 of 4 stars). 2 submissions from 2 submitters: Uncertain significance (2). Last evaluated 2025-12-15.

Conditions:
Hereditary cancer-predisposing syndrome. Also called: Tumor predisposition; Hereditary Cancer Syndrome; Neoplastic Syndromes, Hereditary; Hereditary neoplastic syndrome. Identifiers: Orphanet 140162, MedGen C0027672, MeSH D009386, MONDO:0015356.
Familial cancer of breast. Also called: BREAST CANCER, FAMILIAL; Hereditary breast cancer; hereditary breast carcinoma. Identifiers: Orphanet 227535, MedGen C0346153, MONDO:0016419, OMIM 114480. Disease mechanism: loss of function.

Submissions (2):

Labcorp Genetics (formerly Invitae), Labcorp
Classification: Uncertain significance for Familial cancer of breast. Last evaluated: 2025-12-15. Review status: criteria provided, single submitter. Criteria: Invitae Variant Classification Sherloc (09022015). Collection method: clinical testing. Allele origin: germline.
Comment: This variant, c.3277_3279del, results in the deletion of 1 amino acid(s) of the PALB2 protein (p.Ile1093del), but otherwise preserves the integrity of the reading frame. This variant is not present in population databases (gnomAD no frequency). This variant has not been reported in the literature in individuals affected with PALB2-related conditions. ClinVar contains an entry for this variant (Variation ID: 823386). In summary, the available evidence is currently insufficient to determine the role of this variant in disease. Therefore, it has been classified as a Variant of Uncertain Significance.

Ambry Genetics
Classification: Uncertain significance for Hereditary cancer-predisposing syndrome. Last evaluated: 2019-10-21. Review status: criteria provided, single submitter. Criteria: Ambry Variant Classification Scheme 2023. Collection method: clinical testing. Allele origin: germline.
Comment: The c.3277_3279delATT variant (also known as p.I1093del) is located in coding exon 12 of the PALB2 gene. This variant results from an in-frame ATT deletion at nucleotide positions 3277 to 3279. This results in the in-frame deletion of an isoleucine at codon 1093. This amino acid position is well conserved in available vertebrate species. In addition, this alteration is predicted to be deleterious by in silico analysis (Choi Y et al. PLoS ONE. 2012; 7(10):e46688). Since supporting evidence is limited at this time, the clinical significance of this alteration remains unclear.